The following is an entry in ClinVar:

ClinVar aggregate classification (germline): Benign (1 of 4 stars; one submission).

Allele frequency attached by ClinVar (database versions not stated): TOPMed 0.04084; gnomAD 0.03528; 1000 Genomes Project 0.03934; 1000 Genomes Project 30x 0.04029.
gnomAD v4.1: 5,565 of 152,324 alleles (3.7%); highest among the groups gnomAD compares: African/African-American, 12%; 329 homozygotes.

Submission:

GeneDx
Classification: Benign. Last evaluated: 2018-06-14. Review status: criteria provided, single submitter. Criteria: GeneDx Variant Classification (06012015). Collection method: clinical testing. Allele origin: germline. Affected: yes.
Comment: This variant is considered likely benign or benign based on one or more of the following criteria: it is a conservative change, it occurs at a poorly conserved position in the protein, it is predicted to be benign by multiple in silico algorithms, and/or has population frequency not consistent with disease.

NM_001851.6(COL9A1):c.1144-264T>C

Gene: COL9A1 (collagen type IX alpha 1 chain; minus strand). Cytogenetic location: 6q13.
Variant type: single nucleotide variant.
Coding change: c.1144-264T>C on transcript NM_001851.6 (MANE Select); 264 bases into the intron before coding-DNA position 1144, T replaced by C.
Molecular consequence: intron variant.
Genome position (GRCh38, 1-based): chr6:70,270,631, A>G on the plus strand (T>C on the coding strand, the complement: COL9A1 is on the minus strand). VCF-style: chr6-70270631-A-G. GRCh37 (hg19) VCF-style: chr6-70980334-A-G.
Other names: c.415-264T>C (NM_001377290.1, NM_078485.4, NM_001377289.1).
Identifiers: ClinVar variation 683420 (VCV000683420.1), dbSNP rs16868852, ClinGen allele CA16268452.
Genomic context (GRCh38, chr6:70,270,631, plus strand): 5'-AGGTAATAAAACAAGTCAGAGAGAAGCTAGGGGAAAAAGCAAAGCCAATTCTTCTCTATC[A>G]GACAAACATTTTATCTACTCTGAAAGCAAATTGGAAACACTACTTATTTTTCTGGTTGAT-3'